The following is an entry in ClinVar:

ClinVar aggregate classification (germline): Likely benign (1 of 4 stars; one submission).

gnomAD v4.1: 42 of 1,568,910 alleles (0.0027%); highest among the groups gnomAD compares: Middle Eastern, 0.034%; no homozygotes.

Submission:

CeGaT Center for Human Genetics Tuebingen
Classification: Likely benign. Last evaluated: 2025-09-01. Review status: criteria provided, single submitter. Criteria: CeGaT Center For Human Genetics Tuebingen Variant Classification Criteria Version 2. Collection method: clinical testing. Allele origin: germline. Affected: yes. Observed: 1 variant allele.
Comment: MUC5B: BP4, BP7

NM_002458.3(MUC5B):c.10293C>T (p.Ser3431=)

Genes: MUC5B (mucin 5B, oligomeric mucus/gel-forming; plus strand), MUC5B-AS1 (MUC5B antisense RNA 1; minus strand). Cytogenetic location: 11p15.5.
Variant type: single nucleotide variant.
Coding change: c.10293C>T on transcript NM_002458.3 (MANE Select); coding-DNA position 10293, C replaced by T.
Protein change: p.Ser3431=; no amino-acid change (serine 3431 retained).
Molecular consequence: synonymous variant.
Genome position (GRCh38, 1-based): chr11:1,247,173, C>T. VCF-style: chr11-1247173-C-T. GRCh37 (hg19) VCF-style: chr11-1268403-C-T.
Identifiers: ClinVar variation 4280788 (VCV004280788.7).